The following is an entry in ClinVar:

ClinVar aggregate classification (germline): Likely pathogenic (1 of 4 stars; one submission).

Conditions:
Retinitis pigmentosa 13 (RP13). Also called: PRPF 8-Related Retinitis Pigmentosa. Identifiers: Orphanet 791, MedGen C1838702, MONDO:0010806, OMIM 600059.

Submission:

Greenwood Genetic Center Diagnostic Laboratories, Greenwood Genetic Center
Classification: Likely pathogenic for Retinitis pigmentosa 13. Last evaluated: 2024-02-09. Review status: criteria provided, single submitter. Criteria: ACMG Guidelines, 2015. Collection method: clinical testing. Allele origin: germline. Affected: yes.
Comment: PS2, PM2

NM_006445.4(PRPF8):c.4367C>T (p.Thr1456Ile)

Gene: PRPF8 (pre-mRNA processing factor 8; minus strand). Cytogenetic location: 17p13.3.
Variant type: single nucleotide variant.
Coding change: c.4367C>T on transcript NM_006445.4 (MANE Select); coding-DNA position 4367, C replaced by T.
Protein change: p.Thr1456Ile; replaces threonine 1456 with isoleucine.
Molecular consequence: missense variant.
Genome position (GRCh38, 1-based): chr17:1,661,134, G>A on the plus strand (C>T on the coding strand, the complement: PRPF8 is on the minus strand). VCF-style: chr17-1661134-G-A. GRCh37 (hg19) VCF-style: chr17-1564428-G-A.
Other names: short protein forms T1456I.
Identifiers: ClinVar variation 3235734 (VCV003235734.1), dbSNP rs2543733653, ClinGen allele CA397576735.